The following is an entry in ClinVar:

NM_001277313.2(FMN1):c.1701T>G (p.Ser567=)

Gene: FMN1 (formin 1; minus strand). Cytogenetic location: 15q13.3.
Variant type: single nucleotide variant.
Coding change: c.1701T>G on transcript NM_001277313.2 (MANE Select); coding-DNA position 1701, T replaced by G.
Protein change: p.Ser567=; no amino-acid change (serine 567 retained).
Molecular consequence: synonymous variant.
Genome position (GRCh38, 1-based): chr15:33,153,214, A>C on the plus strand (T>G on the coding strand, the complement: FMN1 is on the minus strand). VCF-style: chr15-33153214-A-C. GRCh37 (hg19) VCF-style: chr15-33445415-A-C.
Other names: c.1701T>G, p.Ser567= (NM_001277314.2).
Identifiers: ClinVar variation 4734898 (VCV004734898.1).

ClinVar aggregate classification (germline): Uncertain significance (1 of 4 stars; one submission).

Submission:

Labcorp Genetics (formerly Invitae), Labcorp
Classification: Uncertain significance. Last evaluated: 2026-01-07. Review status: criteria provided, single submitter. Criteria: Invitae Variant Classification Sherloc (09022015). Collection method: clinical testing. Allele origin: germline.
Comment: The FMN1 gene has multiple clinically relevant transcripts. This variant occurs in alternate transcript NM_001277314.1, and corresponds to NM_001103184.3:c.-85330T>G in the primary transcript. This sequence change affects codon 267 of the FMN1 mRNA. It is a 'silent' change, meaning that it does not change the encoded amino acid sequence of the FMN1 protein. This variant is not present in population databases (gnomAD no frequency). This variant has not been reported in the literature in individuals affected with FMN1-related conditions. Experimental studies and prediction algorithms are not available or were not evaluated, and the effect of this variant on mRNA splicing is currently unknown. In summary, the available evidence is currently insufficient to determine the role of this variant in disease. Therefore, it has been classified as a Variant of Uncertain Significance.